The following is an entry in ClinVar:

NM_015331.3(NCSTN):c.1327G>C (p.Asp443His)

Gene: NCSTN (nicastrin; plus strand). Cytogenetic location: 1q23.2.
Variant type: single nucleotide variant.
Coding change: c.1327G>C on transcript NM_015331.3 (MANE Select); coding-DNA position 1327, G replaced by C.
Protein change: p.Asp443His; replaces aspartic acid 443 with histidine.
Molecular consequence: missense variant.
Genome position (GRCh38, 1-based): chr1:160,354,265, G>C. VCF-style: chr1-160354265-G-C. GRCh37 (hg19) VCF-style: chr1-160324055-G-C.
Other names: c.1267G>C, p.Asp423His (NM_001290184.2); c.913G>C, p.Asp305His (NM_001290186.2); c.1327G>C, p.Asp443His (NM_001349729.2); short protein forms D305H, D423H, D443H.
Identifiers: ClinVar variation 1365151 (VCV001365151.8), dbSNP rs2101906660, ClinGen allele CA343281622.
Genomic context (GRCh38, chr1:160,354,265, plus strand): 5'-CCACCATCTTCCCTGCAGCGATTTCTTCGAGCTCGAAACATCTCTGGCGTTGTTCTGGCT[G>C]ACCACTCTGGTGCCTTCCATAACAAGTAAGAATCACTTGGCCCTGCACCCTCTTCATTCT-3'
Protein context (NP_056146.1, residues 433-453): ARNISGVVLA[Asp443His]HSGAFHNKYY

ClinVar aggregate classification (germline): Uncertain significance (1 of 4 stars; one submission).

Submission:

Labcorp Genetics (formerly Invitae), Labcorp
Classification: Uncertain significance. Last evaluated: 2020-11-24. Review status: criteria provided, single submitter. Criteria: Invitae Variant Classification Sherloc (09022015). Collection method: clinical testing. Allele origin: germline.
Comment: This sequence change replaces aspartic acid with histidine at codon 443 of the NCSTN protein (p.Asp443His). The aspartic acid residue is highly conserved and there is a moderate physicochemical difference between aspartic acid and histidine. This variant is not present in population databases (ExAC no frequency). This variant has not been reported in the literature in individuals with NCSTN-related conditions. Algorithms developed to predict the effect of missense changes on protein structure and function are either unavailable or do not agree on the potential impact of this missense change (SIFT: "Tolerated"; PolyPhen-2: "Probably Damaging"; Align-GVGD: "Class C0"). In summary, the available evidence is currently insufficient to determine the role of this variant in disease. Therefore, it has been classified as a Variant of Uncertain Significance.